The following is an entry in ClinVar:

ClinVar aggregate classification (germline): Uncertain significance (1 of 4 stars; one submission).

Conditions:
Mendelian susceptibility to mycobacterial diseases due to partial STAT1 deficiency. Also called: IMMUNODEFICIENCY 31A, MYCOBACTERIOSIS, AUTOSOMAL DOMINANT; STAT1 DEFICIENCY, AUTOSOMAL DOMINANT; Immunodeficiency 31a. Identifiers: Orphanet 319595, MedGen C4013950, MONDO:0013956, OMIM 614892.
Autoimmune enteropathy and endocrinopathy - susceptibility to chronic infections syndrome. Also called: Immunodeficiency 31C, autosomal dominant; Immunodeficiency 31C. Identifiers: Orphanet 391487, MedGen C3279990, MONDO:0013599, OMIM 614162.
Immunodeficiency 31B. Also called: IMMUNODEFICIENCY 31B, MYCOBACTERIAL AND VIRAL INFECTIONS, AUTOSOMAL RECESSIVE; STAT1 DEFICIENCY, AUTOSOMAL RECESSIVE. Identifiers: Orphanet 391311, MedGen C3151088, MONDO:0013427, OMIM 613796.

Submission:

Labcorp Genetics (formerly Invitae), Labcorp
Classification: Uncertain significance for Mendelian susceptibility to mycobacterial diseases due to partial STAT1 deficiency; Immunodeficiency 31B; Autoimmune enteropathy and endocrinopathy - susceptibility to chronic infections syndrome. Last evaluated: 2025-04-30. Review status: criteria provided, single submitter. Criteria: Invitae Variant Classification Sherloc (09022015). Collection method: clinical testing. Allele origin: germline.
Comment: This sequence change replaces serine, which is neutral and polar, with asparagine, which is neutral and polar, at codon 606 of the STAT1 protein (p.Ser606Asn). This variant is not present in population databases (gnomAD no frequency). This variant has not been reported in the literature in individuals affected with STAT1-related conditions. An algorithm developed to predict the effect of missense changes on protein structure and function (PolyPhen-2) suggests that this variant is likely to be disruptive. In summary, the available evidence is currently insufficient to determine the role of this variant in disease. Therefore, it has been classified as a Variant of Uncertain Significance.

NM_007315.4(STAT1):c.1817G>A (p.Ser606Asn)

Gene: STAT1 (signal transducer and activator of transcription 1; minus strand). Cytogenetic location: 2q32.2.
Variant type: single nucleotide variant.
Coding change: c.1817G>A on transcript NM_007315.4 (MANE Select); coding-DNA position 1817, G replaced by A.
Protein change: p.Ser606Asn; replaces serine 606 with asparagine.
Molecular consequence: missense variant.
Genome position (GRCh38, 1-based): chr2:190,978,912, C>T on the plus strand (G>A on the coding strand, the complement: STAT1 is on the minus strand). VCF-style: chr2-190978912-C-T. GRCh37 (hg19) VCF-style: chr2-191843638-C-T.
Other names: c.1817G>A, p.Ser606Asn (NM_139266.3, NM_001384886.1, NM_001384889.1 and 1 more transcripts); c.1757G>A, p.Ser586Asn (NM_001384880.1); c.1823G>A, p.Ser608Asn (NM_001384881.1, NM_001384884.1); c.1811G>A, p.Ser604Asn (NM_001384882.1); c.1718G>A, p.Ser573Asn (NM_001384883.1); c.1658G>A, p.Ser553Asn (NM_001384885.1); c.1724G>A, p.Ser575Asn (NM_001384887.1); c.1787G>A, p.Ser596Asn (NM_001384888.1); and 2 more; short protein forms S576N, S618N, S575N, S606N, S586N, S604N, S608N, S553N.
Identifiers: ClinVar variation 4784840 (VCV004784840.1).